The following is an entry in ClinVar:

ClinVar aggregate classification (germline): Uncertain significance. Review status: criteria provided, multiple submitters, no conflicts (2 of 4 stars). 3 submissions from 3 submitters: Uncertain significance (3). Last evaluated 2022-06-26.

Conditions:
Dominant beta-thalassemia. Also called: Beta-thalassemia, dominant inclusion body type. Identifiers: Orphanet 231226, Orphanet 848, MedGen C1858990, MONDO:0011381, OMIM 603902.
alpha Thalassemia. Also called: Alpha thalassemia spectrum. Identifiers: Orphanet 846, MedGen C0002312, MONDO:0011399, OMIM 604131.
Malaria, susceptibility to. Identifiers: Orphanet 673, MedGen C1970028, MONDO:0021024, OMIM 611162.
Heinz body anemia. Also called: Heinz body hemolytic anemia. Identifiers: Orphanet 178330, MedGen C0700299, MONDO:0007705, OMIM 140700, HP:0005511.
METHEMOGLOBINEMIA, BETA TYPE. Also called: Methemoglobinemia, beta-globin type. Identifiers: MedGen C1840779, OMIM 617971.
Erythrocytosis, familial, 6. Also called: ERYTHROCYTOSIS, BETA-GLOBIN TYPE; POLYCYTHEMIA, BETA-GLOBIN TYPE. Identifiers: MedGen C4693822, MONDO:0054801, OMIM 617980.
Hereditary persistence of fetal hemoglobin. Identifiers: MedGen C0019025, MONDO:0020989, OMIM 141749.
Beta-thalassemia HBB/LCRB. Identifiers: MedGen CN322236, MONDO:0013517, OMIM 613985.
Hb SS disease (SCD). Also called: Hemoglobin SS; Sickle cell anemia; Sickle cell disease; HbS disease; Hemoglobin S Disease; Sickling disorder due to hemoglobin S. Identifiers: Orphanet 232, Orphanet 275752, MedGen C0002895, MONDO:0011382, OMIM 603903.

gnomAD v4.1: 61 of 1,613,864 alleles (0.0038%); highest among the groups gnomAD compares: Non-Finnish European, 0.005%; no homozygotes.

Submissions (3):

Labcorp Genetics (formerly Invitae), Labcorp
Classification: Uncertain significance. Last evaluated: 2022-06-26. Review status: criteria provided, single submitter. Criteria: Invitae Variant Classification Sherloc (09022015). Collection method: clinical testing. Allele origin: germline.
Comment: This sequence change falls in intron 2 of the HBB gene. It does not directly change the encoded amino acid sequence of the HBB protein. It affects a nucleotide within the consensus splice site. This variant is present in population databases (rs33913413, gnomAD 0.005%). This variant has not been reported in the literature in individuals affected with HBB-related conditions. ClinVar contains an entry for this variant (Variation ID: 1330020). Variants that disrupt the consensus splice site are a relatively common cause of aberrant splicing (PMID: 17576681, 9536098). Algorithms developed to predict the effect of sequence changes on RNA splicing suggest that this variant is not likely to affect RNA splicing. This variant disrupts the c.316-3C>A nucleotide in the HBB gene. Other variant(s) that disrupt this nucleotide have been determined to be pathogenic (PMID: 1634368, 2458145, 31718331). This suggests that this nucleotide is clinically significant, and that variants that disrupt this position are likely to be disease-causing. In summary, the available evidence is currently insufficient to determine the role of this variant in disease. Therefore, it has been classified as a Variant of Uncertain Significance.

Fulgent Genetics
Classification: Uncertain significance for Heinz body anemia; Hereditary persistence of fetal hemoglobin; Dominant beta-thalassemia; Hb SS disease; alpha Thalassemia; Malaria, susceptibility to; Beta-thalassemia HBB/LCRB; METHEMOGLOBINEMIA, BETA TYPE; Erythrocytosis, familial, 6. Last evaluated: 2022-04-22. Review status: criteria provided, single submitter. Criteria: ACMG Guidelines, 2015. Collection method: clinical testing. Allele origin: unknown.

Quest Diagnostics Nichols Institute San Juan Capistrano
Classification: Uncertain significance. Last evaluated: 2020-11-06. Review status: criteria provided, single submitter. Criteria: Quest Diagnostics criteria. Collection method: clinical testing. Allele origin: unknown.

Literature cited by the submitters: PubMed 17576681 (cited by Labcorp Genetics (formerly Invitae), Labcorp); PubMed 9536098 (cited by Labcorp Genetics (formerly Invitae), Labcorp); PubMed 1634368 (cited by Labcorp Genetics (formerly Invitae), Labcorp); PubMed 2458145 (cited by Labcorp Genetics (formerly Invitae), Labcorp); PubMed 31718331 (cited by Labcorp Genetics (formerly Invitae), Labcorp); PubMed 26635043 (cited by Quest Diagnostics Nichols Institute San Juan Capistrano).

NM_000518.5(HBB):c.316-3C>T

Genes: HBB (hemoglobin subunit beta; minus strand), LOC107133510 (origin of replication at HBB; plus strand), LOC110006319 (beta-globin gene 3' regulatory region; plus strand). Cytogenetic location: 11p15.4.
Variant type: single nucleotide variant.
Coding change: c.316-3C>T on transcript NM_000518.5 (MANE Select); 3 bases into the intron before coding-DNA position 316, C replaced by T.
Molecular consequence: intron variant.
Genome position (GRCh38, 1-based): chr11:5,225,729, G>A on the plus strand (C>T on the coding strand, the complement: HBB is on the minus strand). VCF-style: chr11-5225729-G-A. GRCh37 (hg19) VCF-style: chr11-5246959-G-A.
Identifiers: ClinVar variation 1330020 (VCV001330020.4), dbSNP rs33913413, ClinGen allele CA5839707.